The following is an entry in ClinVar:

NM_004928.3(CFAP410):c.2T>G (p.Met1Arg)

Genes: CFAP410 (cilia and flagella associated protein 410; minus strand), LOC130066823 (ATAC-STARR-seq lymphoblastoid silent region 13383; plus strand). Cytogenetic location: 21q22.3.
Variant type: single nucleotide variant.
Coding change: c.2T>G on transcript NM_004928.3 (MANE Select); coding-DNA position 2, T replaced by G.
Protein change: p.Met1Arg; changes the start codon (methionine 1).
Molecular consequence: missense variant, initiator codon variant.
Genome position (GRCh38, 1-based): chr21:44,339,193, A>C on the plus strand (T>G on the coding strand, the complement: CFAP410 is on the minus strand). VCF-style: chr21-44339193-A-C. GRCh37 (hg19) VCF-style: chr21-45759076-A-C.
Other names: c.2T>G, p.Met1Arg (NM_001271440.2, NM_001271441.2); short protein forms M1R.
Identifiers: ClinVar variation 2846393 (VCV002846393.3), dbSNP rs775761530, ClinGen allele CA10053928.

ClinVar aggregate classification (germline): Uncertain significance (1 of 4 stars; one submission).

Submission:

Labcorp Genetics (formerly Invitae), Labcorp
Classification: Uncertain significance. Last evaluated: 2023-03-16. Review status: criteria provided, single submitter. Criteria: Invitae Variant Classification Sherloc (09022015). Collection method: clinical testing. Allele origin: germline.
Comment: In summary, the available evidence is currently insufficient to determine the role of this variant in disease. Therefore, it has been classified as a Variant of Uncertain Significance. Experimental studies and prediction algorithms are not available or were not evaluated, and the functional significance of this variant is currently unknown. This variant has not been reported in the literature in individuals affected with CFAP410-related conditions. The frequency data for this variant in the population databases is considered unreliable, as metrics indicate poor data quality at this position in the gnomAD database. This sequence change affects the initiator methionine of the CFAP410 mRNA. The next in-frame methionine is located at codon 7.